The following is an entry in ClinVar:

NM_001042492.3(NF1):c.6427+5G>A

Gene: NF1 (neurofibromin 1; plus strand). Cytogenetic location: 17q11.2.
Variant type: single nucleotide variant.
Coding change: c.6427+5G>A on transcript NM_001042492.3 (MANE Select); 5 bases into the intron after coding-DNA position 6427, G replaced by A.
Molecular consequence: intron variant.
Genome position (GRCh38, 1-based): chr17:31,336,919, G>A. VCF-style: chr17-31336919-G-A. GRCh37 (hg19) VCF-style: chr17-29663937-G-A.
Other names: c.6364+5G>A (NM_000267.4).
Identifiers: ClinVar variation 404509 (VCV000404509.14), dbSNP rs1060500311, ClinGen allele CA16615663.

ClinVar aggregate classification (germline): Conflicting classifications of pathogenicity. Review status: criteria provided, conflicting classifications (1 of 4 stars). 3 submissions from 3 submitters: Likely pathogenic (1); Uncertain significance (2). Last evaluated 2025-08-06.

Conditions:
Hereditary cancer-predisposing syndrome. Also called: Tumor predisposition; Neoplastic Syndromes, Hereditary; Hereditary Cancer Syndrome; Hereditary neoplastic syndrome. Identifiers: Orphanet 140162, MedGen C0027672, MeSH D009386, MONDO:0015356.
Cardiovascular phenotype. Identifiers: MedGen CN230736.
Neurofibromatosis, type 1 (NF1). Also called: Neurofibromatosis, type I; NEUROFIBROMATOSIS, TYPE I, SOMATIC; Peripheral type neurofibromatosis; VON RECKLINGHAUSEN DISEASE. Identifiers: Orphanet 636, MedGen C0027831, MONDO:0018975, OMIM 162200. Disease mechanism: loss of function.

Submissions (3):

Labcorp Genetics (formerly Invitae), Labcorp
Classification: Uncertain significance for Neurofibromatosis, type 1. Last evaluated: 2025-08-06. Review status: criteria provided, single submitter. Criteria: Invitae Variant Classification Sherloc (09022015). Collection method: clinical testing. Allele origin: germline.
Comment: This sequence change falls in intron 41 of the NF1 gene. It does not directly change the encoded amino acid sequence of the NF1 protein. It affects a nucleotide within the consensus splice site. This variant is not present in population databases (gnomAD no frequency). This variant has not been reported in the literature in individuals affected with NF1-related conditions. ClinVar contains an entry for this variant (Variation ID: 404509). Variants that disrupt the consensus splice site are a relatively common cause of aberrant splicing (PMID: 17576681, 9536098). Algorithms developed to predict the effect of sequence changes on RNA splicing suggest that this variant may disrupt the consensus splice site. In summary, the available evidence is currently insufficient to determine the role of this variant in disease. Therefore, it has been classified as a Variant of Uncertain Significance.

GeneDx
Classification: Likely pathogenic. Last evaluated: 2021-06-28. Review status: criteria provided, single submitter. Criteria: GeneDx Variant Classification Process June 2021. Collection method: clinical testing. Allele origin: germline. Affected: yes.
Comment: Intronic +5 splice site variant in a gene for which loss-of-function is a known mechanism of disease, and splice predictors support a deleterious effect; Not observed at significant frequency in large population cohorts (Lek 2016); Has not been previously published as pathogenic or benign to our knowledge; This variant is associated with the following publications: (PMID: 27535533, 28124441)

Ambry Genetics
Classification: Uncertain significance for Cardiovascular phenotype; Hereditary cancer-predisposing syndrome. Last evaluated: 2016-11-09. Review status: criteria provided, single submitter. Criteria: Ambry Variant Classification Scheme 2023. Collection method: clinical testing. Allele origin: germline.
Comment: The c.6364+5G>A intronic variant results from a G to A substitution 5 nucleotides after coding exon 41 in the NF1 gene. The c.6364+5G>A variant was not reported in population based cohorts in the following databases: Database of Single Nucleotide Polymorphisms (dbSNP), NHLBI Exome Sequencing Project (ESP), and 1000 Genomes Project. In the ESP, this variant was not observed in 6503 samples (13006 alleles) with coverage at this position. To date, this alteration has been detected with an allele frequency of approximately 0.001% (greater than 175000 alleles tested) in our clinical cohort. This nucleotide position is highly conserved in available vertebrate species. Using the BDGP and ESEfinder splice site prediction tools, this alteration is predicted to weaken the efficiency of the native splice donor site; however, direct evidence is unavailable. Since supporting evidence is limited at this time, the clinical significance of this alteration remains unclear.

Literature cited by the submitters: PubMed 17576681 (cited by Labcorp Genetics (formerly Invitae), Labcorp); PubMed 9536098 (cited by Labcorp Genetics (formerly Invitae), Labcorp).